The following is an entry in ClinVar:

NM_000030.3(AGXT):c.654G>A (p.Ser218=)

Gene: AGXT (alanine--glyoxylate aminotransferase; plus strand). Cytogenetic location: 2q37.3.
Variant type: single nucleotide variant.
Coding change: c.654G>A on transcript NM_000030.3 (MANE Select); coding-DNA position 654, G replaced by A.
Protein change: p.Ser218=; no amino-acid change (serine 218 retained).
Molecular consequence: synonymous variant.
Genome position (GRCh38, 1-based): chr2:240,874,036, G>A. VCF-style: chr2-240874036-G-A. GRCh37 (hg19) VCF-style: chr2-241813453-G-A.
Other names: p.Ser218=.
Identifiers: ClinVar variation 198034 (VCV000198034.28), dbSNP rs33958047, ClinGen allele CA203191.

ClinVar aggregate classification (germline): Benign/Likely benign. Review status: criteria provided, multiple submitters, no conflicts (2 of 4 stars). 12 submissions from 12 submitters: Benign (9); Likely benign (1). 2 of the submissions do not count toward it. Last evaluated 2026-02-04.

Conditions:
Primary hyperoxaluria, type I (HP1). Also called: GLYCOLIC ACIDURIA; HEPATIC AGT DEFICIENCY; Primary hyperoxaluria type 1; OXALOSIS I. Identifiers: Orphanet 416, Orphanet 93598, MedGen C0268164, MONDO:0009823, OMIM 259900. Disease mechanism: loss of function.

Allele frequency attached by ClinVar (database versions not stated): gnomAD exomes 0.10618 and 0.10520; ExAC 0.10850; gnomAD 0.12652 and 0.12729; TOPMed 0.12759; ESP Exome Variant Server 0.13171; 1000 Genomes Project 0.15315; 1000 Genomes Project 30x 0.15740.
gnomAD v4.1: 175,057 of 1,613,208 alleles (11%); highest among the groups gnomAD compares: African/African-American, 20%; 9,994 homozygotes.

Submissions (12):

Labcorp Genetics (formerly Invitae), Labcorp
Classification: Benign. Last evaluated: 2026-02-04. Review status: criteria provided, single submitter. Criteria: Invitae Variant Classification Sherloc (09022015). Collection method: clinical testing. Allele origin: germline.

Blueprint Genetics
Classification: Likely benign. Last evaluated: 2024-11-26. Review status: criteria provided, single submitter. Criteria: ACMG Guidelines, 2015. Collection method: clinical testing. Allele origin: germline.

Mayo Clinic Laboratories, Mayo Clinic
Classification: Benign. Last evaluated: 2022-03-09. Review status: criteria provided, single submitter. Criteria: ACMG Guidelines, 2015. Collection method: clinical testing. Allele origin: germline. Observed: 47 variant alleles.

Fulgent Genetics
Classification: Benign for Primary hyperoxaluria, type I. Last evaluated: 2021-10-08. Review status: criteria provided, single submitter. Criteria: ACMG Guidelines, 2015. Collection method: clinical testing. Allele origin: unknown.

Genome-Nilou Lab
Classification: Benign for Primary hyperoxaluria, type I. Last evaluated: 2021-07-10. Review status: criteria provided, single submitter. Criteria: ACMG Guidelines, 2015. Collection method: clinical testing. Allele origin: germline. Affected: no.

GeneDx
Classification: Benign. Last evaluated: 2018-06-13. Review status: criteria provided, single submitter. Criteria: GeneDx Variant Classification (06012015). Collection method: clinical testing. Allele origin: germline. Affected: yes.
Comment: This variant is considered likely benign or benign based on one or more of the following criteria: it is a conservative change, it occurs at a poorly conserved position in the protein, it is predicted to be benign by multiple in silico algorithms, and/or has population frequency not consistent with disease.

Illumina Laboratory Services, Illumina
Classification: Benign for Primary hyperoxaluria, type I. Last evaluated: 2018-01-13. Review status: criteria provided, single submitter. Criteria: ICSL Variant Classification Criteria 13 December 2019. Collection method: clinical testing. Allele origin: germline.
Comment: This variant was observed in the ICSL laboratory as part of a predisposition screen in an ostensibly healthy population. It had not been previously curated by ICSL or reported in the Human Gene Mutation Database (HGMD: prior to June 1st, 2018), and was therefore a candidate for classification through an automated scoring system. Utilizing variant allele frequency, disease prevalence and penetrance estimates, and inheritance mode, an automated score was calculated to assess if this variant is too frequent to cause the disease. Based on the score and internal cut-off values, a variant classified as benign is not then subjected to further curation. The score for this variant resulted in a classification of benign for this disease.

Eurofins Ntd Llc (ga)
Classification: Benign. Last evaluated: 2014-09-24. Review status: criteria provided, single submitter. Criteria: EGL Classification Definitions 2015. Collection method: clinical testing. Allele origin: germline.

Breakthrough Genomics
Classification: Benign. Review status: criteria provided, single submitter. Criteria: ACMG Guidelines, 2015. Collection method: not provided. Allele origin: germline. Inheritance: Autosomal recessive inheritance. Affected: yes.

PreventionGenetics, part of Exact Sciences
Classification: Benign. Review status: criteria provided, single submitter. Criteria: ACMG Guidelines, 2015. Collection method: clinical testing. Allele origin: germline.

Natera, Inc.
Classification: Benign for Primary hyperoxaluria type I. Last evaluated: 2020-09-16. Review status: no assertion criteria provided. Collection method: clinical testing. Allele origin: germline. Not counted in ClinVar's aggregate classification.

Clinical Biochemistry Laboratory, Health Services Laboratory
Classification: Uncertain significance for Primary hyperoxaluria, type I. Last evaluated: 2014-11-27. Review status: no assertion criteria provided. Collection method: research. Allele origin: germline. Affected: yes. Not counted in ClinVar's aggregate classification.

Literature cited by the submitters: PubMed 17460142 (cited by Clinical Biochemistry Laboratory, Health Services Laboratory).